The following is an entry in ClinVar:

NM_003978.5(PSTPIP1):c.875T>C (p.Val292Ala)

Gene: PSTPIP1 (proline-serine-threonine phosphatase interacting protein 1; plus strand). Cytogenetic location: 15q24.3.
Variant type: single nucleotide variant.
Coding change: c.875T>C on transcript NM_003978.5 (MANE Select); coding-DNA position 875, T replaced by C.
Protein change: p.Val292Ala; replaces valine 292 with alanine.
Molecular consequence: missense variant. On other transcripts: intron variant (1).
Genome position (GRCh38, 1-based): chr15:77,032,898, T>C. VCF-style: chr15-77032898-T-C. GRCh37 (hg19) VCF-style: chr15-77325239-T-C.
Other names: c.848T>C, p.Val283Ala (NM_001321136.2); c.1070T>C, p.Val357Ala (NM_001321137.1); c.875T>C, p.Val292Ala (NM_001411086.1); c.872+470T>C (NM_001321135.2); short protein forms V292A, V357A, V283A.
Identifiers: ClinVar variation 2008252 (VCV002008252.5), dbSNP rs1333647544, ClinGen allele CA393521392.

ClinVar aggregate classification (germline): Uncertain significance. Review status: criteria provided, multiple submitters, no conflicts (2 of 4 stars). 2 submissions from 2 submitters: Uncertain significance (2). Last evaluated 2025-06-04.

Conditions:
Inborn genetic diseases. Identifiers: MedGen C0950123, MeSH D030342.
Pyogenic arthritis-pyoderma gangrenosum-acne syndrome (PAPA). Also called: PAPA SYNDROME; FAMILIAL RECURRENT ARTHRITIS. Identifiers: Orphanet 69126, MedGen C1858361, MONDO:0011462, OMIM 604416.

Allele frequency attached by ClinVar (database versions not stated): gnomAD 0.00001; gnomAD exomes 0.00001; TOPMed 0.00001.
gnomAD v4.1: 11 of 1,602,942 alleles (0.00069%); highest among the groups gnomAD compares: Non-Finnish European, 0.00085%; no homozygotes.

Submissions (2):

Labcorp Genetics (formerly Invitae), Labcorp
Classification: Uncertain significance for Pyogenic arthritis-pyoderma gangrenosum-acne syndrome. Last evaluated: 2025-06-04. Review status: criteria provided, single submitter. Criteria: Invitae Variant Classification Sherloc (09022015). Collection method: clinical testing. Allele origin: germline.
Comment: This sequence change replaces valine, which is neutral and non-polar, with alanine, which is neutral and non-polar, at codon 292 of the PSTPIP1 protein (p.Val292Ala). The frequency data for this variant in the population databases is considered unreliable, as metrics indicate poor data quality at this position in the gnomAD database. This variant has not been reported in the literature in individuals affected with PSTPIP1-related conditions. ClinVar contains an entry for this variant (Variation ID: 2008252). Invitae Evidence Modeling of protein sequence and biophysical properties (such as structural, functional, and spatial information, amino acid conservation, physicochemical variation, residue mobility, and thermodynamic stability) indicates that this missense variant is not expected to disrupt PSTPIP1 protein function with a negative predictive value of 80%. In summary, the available evidence is currently insufficient to determine the role of this variant in disease. Therefore, it has been classified as a Variant of Uncertain Significance.

Ambry Genetics
Classification: Uncertain significance for Inborn genetic diseases. Last evaluated: 2022-03-16. Review status: criteria provided, single submitter. Criteria: Ambry Variant Classification Scheme 2023. Collection method: clinical testing. Allele origin: germline.